The following is an entry in ClinVar:

NM_000057.4(BLM):c.3262G>C (p.Val1088Leu)

Gene: BLM (BLM RecQ like helicase; plus strand). Cytogenetic location: 15q26.1.
Variant type: single nucleotide variant.
Coding change: c.3262G>C on transcript NM_000057.4 (MANE Select); coding-DNA position 3262, G replaced by C.
Protein change: p.Val1088Leu; replaces valine 1088 with leucine.
Molecular consequence: missense variant.
Genome position (GRCh38, 1-based): chr15:90,798,241, G>C. VCF-style: chr15-90798241-G-C. GRCh37 (hg19) VCF-style: chr15-91341471-G-C.
Other names: c.3262G>C, p.Val1088Leu (NM_001287246.2, NM_001287247.2); c.2137G>C, p.Val713Leu (NM_001287248.2); short protein forms V713L, V1088L.
Identifiers: ClinVar variation 823351 (VCV000823351.13), dbSNP rs934966838, ClinGen allele CA274770343.

ClinVar aggregate classification (germline): Uncertain significance. Review status: criteria provided, multiple submitters, no conflicts (2 of 4 stars). 2 submissions from 2 submitters: Uncertain significance (2). Last evaluated 2024-05-05.

Conditions:
Bloom syndrome (BLM). Also called: Bloom-Torre-Machacek syndrome. Identifiers: Orphanet 125, MedGen C0005859, MONDO:0008876, OMIM 210900.
Hereditary cancer-predisposing syndrome. Also called: Tumor predisposition; Hereditary Cancer Syndrome; Neoplastic Syndromes, Hereditary; Hereditary neoplastic syndrome. Identifiers: Orphanet 140162, MedGen C0027672, MeSH D009386, MONDO:0015356.

Allele frequency attached by ClinVar (database versions not stated): gnomAD exomes below 0.00001.
gnomAD v4.1: 1 of 1,611,154 alleles (0.000062%); highest among the groups gnomAD compares: Non-Finnish European, 0.000085%; no homozygotes.

Submissions (2):

Ambry Genetics
Classification: Uncertain significance for Hereditary cancer-predisposing syndrome. Last evaluated: 2024-05-05. Review status: criteria provided, single submitter. Criteria: Ambry Variant Classification Scheme 2023. Collection method: clinical testing. Allele origin: germline.
Comment: The p.V1088L variant (also known as c.3262G>C), located in coding exon 16 of the BLM gene, results from a G to C substitution at nucleotide position 3262. The valine at codon 1088 is replaced by leucine, an amino acid with highly similar properties. This amino acid position is well conserved in available vertebrate species. In addition, the in silico prediction for this alteration is inconclusive. Since supporting evidence is limited at this time, the clinical significance of this alteration remains unclear.

Labcorp Genetics (formerly Invitae), Labcorp
Classification: Uncertain significance for Bloom syndrome. Last evaluated: 2024-01-29. Review status: criteria provided, single submitter. Criteria: Invitae Variant Classification Sherloc (09022015). Collection method: clinical testing. Allele origin: germline.
Comment: This sequence change replaces valine, which is neutral and non-polar, with leucine, which is neutral and non-polar, at codon 1088 of the BLM protein (p.Val1088Leu). This variant is not present in population databases (gnomAD no frequency). This variant has not been reported in the literature in individuals affected with BLM-related conditions. ClinVar contains an entry for this variant (Variation ID: 823351). Advanced modeling of protein sequence and biophysical properties (such as structural, functional, and spatial information, amino acid conservation, physicochemical variation, residue mobility, and thermodynamic stability) performed at Invitae indicates that this missense variant is not expected to disrupt BLM protein function with a negative predictive value of 80%. In summary, the available evidence is currently insufficient to determine the role of this variant in disease. Therefore, it has been classified as a Variant of Uncertain Significance.